The following is an entry in ClinVar:

ClinVar aggregate classification (germline): Likely benign. Review status: criteria provided, multiple submitters, no conflicts (2 of 4 stars). 2 submissions from 2 submitters: Likely benign (2). Last evaluated 2026-01-20.

Allele frequency attached by ClinVar (database versions not stated): gnomAD exomes 0.00002 and 0.00003; ExAC 0.00005; gnomAD 0.00005 and 0.00006; TOPMed 0.00005; ESP Exome Variant Server 0.00010.
gnomAD v4.1: 32 of 1,613,716 alleles (0.002%); highest among the groups gnomAD compares: African/African-American, 0.019%; no homozygotes.

Submissions (2):

Labcorp Genetics (formerly Invitae), Labcorp
Classification: Likely benign. Last evaluated: 2026-01-20. Review status: criteria provided, single submitter. Criteria: Invitae Variant Classification Sherloc (09022015). Collection method: clinical testing. Allele origin: germline.

CeGaT Center for Human Genetics Tuebingen
Classification: Likely benign. Last evaluated: 2022-09-01. Review status: criteria provided, single submitter. Criteria: CeGaT Center For Human Genetics Tuebingen Variant Classification Criteria Version 2. Collection method: clinical testing. Allele origin: germline. Affected: yes. Observed: 1 variant allele.
Comment: XPC: BP4, BP7

NM_004628.5(XPC):c.1725C>T (p.Asp575=)

Gene: XPC (XPC complex subunit, DNA damage recognition and repair factor; minus strand). Cytogenetic location: 3p25.1.
Variant type: single nucleotide variant.
Coding change: c.1725C>T on transcript NM_004628.5 (MANE Select); coding-DNA position 1725, C replaced by T.
Protein change: p.Asp575=; no amino-acid change (aspartic acid 575 retained).
Molecular consequence: synonymous variant. On other transcripts: non-coding transcript variant (2), intron variant (1).
Genome position (GRCh38, 1-based): chr3:14,158,158, G>A on the plus strand (C>T on the coding strand, the complement: XPC is on the minus strand). VCF-style: chr3-14158158-G-A. GRCh37 (hg19) VCF-style: chr3-14199658-G-A.
Other names: c.1146C>T, p.Asp382= (NM_001354726.2); c.1725C>T, p.Asp575= (NM_001354727.2); c.1707C>T, p.Asp569= (NM_001354729.2); c.1626+99C>T (NM_001354730.2).
Identifiers: ClinVar variation 1161717 (VCV001161717.32), dbSNP rs377666880, ClinGen allele CA2267380.
Genomic context (GRCh38, chr3:14,158,158, plus strand): 5'-CTTGCGGGTCACTGTCATCCAGACTGGGTCGTACCTCTGTGTGACATCTCGGACCCAGCC[G>A]TCACTGTCAATGCCCACCACATAGGTCATGGGCTTGGTGGCGTACTTGTAACAGGTCAGA-3'
Protein context (NP_004619.3, residues 565-585): PMTYVVGIDS[Asp575=]GWVRDVTQRY